The following is an entry in ClinVar:

NM_000219.6(KCNE1):c.59C>A (p.Thr20Lys)

Gene: KCNE1 (potassium voltage-gated channel subfamily E regulatory subunit 1; minus strand). Cytogenetic location: 21q22.12.
Variant type: single nucleotide variant.
Coding change: c.59C>A on transcript NM_000219.6 (MANE Select); coding-DNA position 59, C replaced by A.
Protein change: p.Thr20Lys; replaces threonine 20 with lysine.
Molecular consequence: missense variant.
Genome position (GRCh38, 1-based): chr21:34,449,576, G>T on the plus strand (C>A on the coding strand, the complement: KCNE1 is on the minus strand). VCF-style: chr21-34449576-G-T. GRCh37 (hg19) VCF-style: chr21-35821874-G-T.
Other names: c.59C>A, p.Thr20Lys (NM_001127668.4, NM_001127669.4, NM_001127670.4 and 4 more transcripts); short protein forms T20K.
Identifiers: ClinVar variation 3373934 (VCV003373934.2).

Conditions:
Long QT syndrome 5 (LQT5). Identifiers: Orphanet 101016, Orphanet 768, MedGen C1867904, MONDO:0013372, OMIM 613695.

Submission:

Roden Lab, Vanderbilt University Medical Center
No classification provided (evidence only). Condition: Long QT syndrome 5. Review status: no classification provided. Collection method: in vitro. Allele origin: not applicable. Functional consequence: Effect on ion channel function.
ClinVar note: "not provided" was previously submitted as the classification for the variant. However, the classification appeared to be based only on an observation of functional data so it was converted to no classification on 2025-07-30.